The following is an entry in ClinVar:

NM_000179.3(MSH6):c.3556+12_3556+51inv

Gene: MSH6 (mutS homolog 6; plus strand). Cytogenetic location: 2p16.3.
Variant type: Inversion.
Coding change: c.3556+12_3556+51inv on transcript NM_000179.3 (MANE Select).
Molecular consequence: intron variant.
Genome position: GRCh38: chr2:47,805,039-47,805,078. GRCh37 (hg19): chr2:48,032,178-48,032,217.
Other names: c.3556+12_3556+51inv (NM_001406796.1, NM_001406808.1, NM_001406800.1 and 1 more transcripts); c.2650+12_2650+51inv (NM_001406811.1, NM_001406814.1, NM_001281493.2 and 6 more transcripts); c.3259+12_3259+51inv (NM_001406805.1, NM_001406797.1, NM_001406801.1 and 10 more transcripts); c.3652+12_3652+51inv (NM_001406795.1, NM_001406802.1); c.3562+12_3562+51inv (NM_001406813.1); c.3031+12_3031+51inv (NM_001406807.1, NM_001406799.1, NM_001406806.1); c.1501+12_1501+51inv (NM_001407362.1); c.3478+12_3478+51inv (NM_001406804.1); and 7 more.
Identifiers: ClinVar variation 3647617 (VCV003647617.2).

ClinVar aggregate classification (germline): Uncertain significance (1 of 4 stars; one submission).

Conditions:
Hereditary nonpolyposis colorectal neoplasms. Identifiers: MedGen C0009405, MeSH D003123.

Submission:

Labcorp Genetics (formerly Invitae), Labcorp
Classification: Uncertain significance for Hereditary nonpolyposis colorectal neoplasms. Last evaluated: 2024-03-25. Review status: criteria provided, single submitter. Criteria: Invitae Variant Classification Sherloc (09022015). Collection method: clinical testing. Allele origin: germline.
Comment: This sequence change falls in intron 6 of the MSH6 gene. It does not directly change the encoded amino acid sequence of the MSH6 protein. Information on the frequency of this variant in the gnomAD database is not available, as this variant may be reported differently in the database. This variant has not been reported in the literature in individuals affected with MSH6-related conditions. Experimental studies and prediction algorithms are not available or were not evaluated, and the effect of this variant on mRNA splicing is currently unknown. In summary, the available evidence is currently insufficient to determine the role of this variant in disease. Therefore, it has been classified as a Variant of Uncertain Significance.